The following is an entry in ClinVar:

NM_000059.4(BRCA2):c.8561dup (p.Tyr2854Ter)

Gene: BRCA2 (BRCA2 DNA repair associated; plus strand). Cytogenetic location: 13q13.1.
Variant type: Duplication.
Coding change: c.8561dup on transcript NM_000059.4 (MANE Select); coding-DNA position 8561, one base duplicated (A; older notation c.8561dupA).
Protein change: p.Tyr2854Ter; replaces tyrosine 2854 with a stop codon.
Molecular consequence: nonsense.
Genome position (GRCh38, 1-based): chr13:32,371,029, A duplicated. VCF-style (leftmost placement, unchanged base first): chr13-32371028-T-TA. GRCh37 (hg19) VCF-style: chr13-32945165-T-TA.
Other names: 8789insA; c.8561dupA (NM_000059.3); short protein forms Y2854*.
Identifiers: ClinVar variation 52621 (VCV000052621.5), dbSNP rs397507992, ClinGen allele CA025709.

ClinVar aggregate classification (germline): Pathogenic. Review status: reviewed by expert panel (3 of 4 stars). 2 submissions from 2 submitters: Pathogenic (1). 1 of the submissions does not count toward it. Last evaluated 2016-04-22.

Conditions:
Breast-ovarian cancer, familial, susceptibility to, 2 (BROVCA2). Also called: BRCA2 Hereditary Breast and Ovarian Cancer. Identifiers: Orphanet 145, MedGen C2675520, MONDO:0012933, OMIM 612555. Disease mechanism: loss of function.

Submissions (2):

Evidence-based Network for the Interpretation of Germline Mutant Alleles (ENIGMA)
Classification: Pathogenic for Breast-ovarian cancer, familial, susceptibility to, 2. Last evaluated: 2016-04-22. Review status: reviewed by expert panel. Criteria: ENIGMA BRCA1/2 Classification Criteria (2015). Collection method: curation. Allele origin: germline.
Comment: Variant allele predicted to encode a truncated non-functional protein.

Consortium of Investigators of Modifiers of BRCA1/2 (CIMBA), c/o University of Cambridge
Classification: Pathogenic for Breast-ovarian cancer, familial, susceptibility to, 2. Last evaluated: 2015-10-02. Review status: criteria provided, single submitter. Criteria: CIMBA Mutation Classification guidelines May 2016. Collection method: clinical testing. Allele origin: germline. Not counted in ClinVar's aggregate classification.